The following is an entry in ClinVar:

ClinVar aggregate classification (germline): Pathogenic (1 of 4 stars; one submission).

Submission:

Labcorp Genetics (formerly Invitae), Labcorp
Classification: Pathogenic. Last evaluated: 2018-08-27. Review status: criteria provided, single submitter. Criteria: Invitae Variant Classification Sherloc (09022015). Collection method: clinical testing. Allele origin: germline.
Comment: This sequence change creates a premature translational stop signal (p.Pro1076Valfs*37) in the USH2A gene. It is expected to result in an absent or disrupted protein product. This variant is not present in population databases (ExAC no frequency). This variant has not been reported in the literature in individuals with USH2A-related disease. Loss-of-function variants in USH2A are known to be pathogenic (PMID: 10729113, 10909849, 20507924, 25649381). For these reasons, this variant has been classified as Pathogenic.

Literature cited by the submitters: PubMed 10729113; PubMed 10909849; PubMed 20507924; PubMed 25649381.

NM_206933.4(USH2A):c.3224_3225dup (p.Pro1076fs)

Genes: USH2A (usherin; minus strand), USH2A-AS1 (USH2A antisense RNA 1; plus strand). Cytogenetic location: 1q41.
Variant type: Duplication.
Coding change: c.3224_3225dup on transcript NM_206933.4 (MANE Select); coding-DNA positions 3224 to 3225, 2 bases duplicated (GT; older notation c.3224_3225dupGT).
Protein change: p.Pro1076fs; shifts the reading frame from proline 1076.
Molecular consequence: frameshift variant.
Genome position (GRCh38, 1-based): chr1:216,207,364-216,207,365, AC duplicated on the plus strand (GT on the coding strand, the reverse complement: USH2A is on the minus strand). VCF-style (leftmost placement, unchanged base first): chr1-216207363-G-GAC. GRCh37 (hg19) VCF-style: chr1-216380705-G-GAC.
Other names: c.3224_3225dup, p.Pro1076fs (NM_007123.6); short protein forms P1076fs.
Identifiers: ClinVar variation 640716 (VCV000640716.6), dbSNP rs1572051012, ClinGen allele CA915942033.
Genomic context (GRCh38, chr1:216,207,363, plus strand): 5'-TTTCAAAACCATCCCTGAGTAAACTGTAAGTAAGCCAGTGGGCATTTGGAGAATCAGGTG[G>GAC]ACTCCAGGAGAGATTGATAGCAGAAGAACTTTGAACTTGTCCTCTGGGCGGAGGTTGCTG-3'